The following is an entry in ClinVar:

NM_006231.4(POLE):c.2666C>G (p.Thr889Ser)

Gene: POLE (DNA polymerase epsilon, catalytic subunit; minus strand). Cytogenetic location: 12q24.33.
Variant type: single nucleotide variant.
Coding change: c.2666C>G on transcript NM_006231.4 (MANE Select); coding-DNA position 2666, C replaced by G.
Protein change: p.Thr889Ser; replaces threonine 889 with serine.
Molecular consequence: missense variant.
Genome position (GRCh38, 1-based): chr12:132,664,044, G>C on the plus strand (C>G on the coding strand, the complement: POLE is on the minus strand). VCF-style: chr12-132664044-G-C. GRCh37 (hg19) VCF-style: chr12-133240630-G-C.
Other names: short protein forms T889S.
Identifiers: ClinVar variation 1805584 (VCV001805584.1), dbSNP rs768534409, ClinGen allele CA387395272.

ClinVar aggregate classification (germline): Uncertain significance (1 of 4 stars; one submission).

Conditions:
Facial dysmorphism-immunodeficiency-livedo-short stature syndrome. Also called: Facial dysmorphism, immunodeficiency, livedo, and short stature; FILS syndrome. Identifiers: Orphanet 352712, MedGen C3554576, MONDO:0014058, OMIM 615139.

gnomAD v4.1: 10 of 1,614,186 alleles (0.00062%); highest among the groups gnomAD compares: Non-Finnish European, 0.00085%; no homozygotes.

Submission:

Victorian Clinical Genetics Services, Murdoch Childrens Research Institute
Classification: Uncertain significance for Facial dysmorphism-immunodeficiency-livedo-short stature syndrome. Last evaluated: 2020-05-21. Review status: criteria provided, single submitter. Criteria: ACMG Guidelines, 2015. Collection method: clinical testing. Allele origin: germline. Inheritance: Autosomal recessive inheritance.
Comment: Based on the classification scheme VCGS_Germline_v1.1.1, this variant is classified as 3C-VUS. Following criteria are met: 0102 - Loss-of-function is a known mechanism of disease for this gene. (N) 0106 - This gene is known to be associated with autosomal recessive disease. (N) 0200 - Variant is predicted to result in a missense amino acid change from threonine to serine (exon 23). (N) 0251 - Variant is heterozygous. (N) 0304 - Variant is present in gnomAD <0.01 for a recessive condition (1 heterozygote, 0 homozygotes). (P) 0309 - An alternative amino acid change at the same position has been observed in gnomAD (1 heterozygote, 0 homozygotes). (N) 0503 - Missense variant consistently predicted to be tolerated or not conserved in mammals with a minor amino acid change. (B) 0600 - Variant is located in an annotated domain or motif (POLBc epsilon; NCBI). (N) 0705 - No comparable variants have previous evidence for pathogenicity. (N) 0807 - Variant has not previously been reported in a clinical context. (N) 0905 - No segregation evidence has been identified for this variant. (N) 1007 - No published functional evidence has been identified for this variant. (N) 1208 - Inheritance information for this variant is not currently available. (N) Legend: (P) - Pathogenic, (N) - Neutral, (B) - Benign